The following is an entry in ClinVar:

ClinVar aggregate classification (germline): Uncertain significance (1 of 4 stars; one submission).

Conditions:
Shwachman-Diamond syndrome 2. Identifiers: MedGen C4693704, MONDO:0044205, OMIM 617941.

Allele frequency attached by ClinVar (database versions not stated): TOPMed below 0.00001.

Submission:

3billion
Classification: Uncertain significance for Shwachman-Diamond syndrome 2. Last evaluated: 2023-02-23. Review status: criteria provided, single submitter. Criteria: ACMG Guidelines, 2015. Collection method: clinical testing. Allele origin: unknown. Affected: yes.
Comment: The variant is observed at an extremely low frequency in the gnomAD v2.1.1 dataset (total allele frequency: <0.001%). Missense changes are a common disease-causing mechanism. Therefore, this variant is classified as VUS according to the recommendation of ACMG/AMP guideline.

NM_024580.6(EFL1):c.3271A>C (p.Met1091Leu)

Gene: EFL1 (elongation factor like GTPase 1; minus strand). Cytogenetic location: 15q25.2.
Variant type: single nucleotide variant.
Coding change: c.3271A>C on transcript NM_024580.6 (MANE Select); coding-DNA position 3271, A replaced by C.
Protein change: p.Met1091Leu; replaces methionine 1091 with leucine.
Molecular consequence: missense variant. On other transcripts: non-coding transcript variant (1).
Genome position (GRCh38, 1-based): chr15:82,130,465, T>G on the plus strand (A>C on the coding strand, the complement: EFL1 is on the minus strand). VCF-style: chr15-82130465-T-G. GRCh37 (hg19) VCF-style: chr15-82422806-T-G.
Other names: c.3118A>C, p.Met1040Leu (NM_001040610.3); c.2482A>C, p.Met828Leu (NM_001322844.2); c.3271A>C, p.Met1091Leu (NM_001322845.2); short protein forms M1040L, M1091L, M828L.
Identifiers: ClinVar variation 2444213 (VCV002444213.1), dbSNP rs1442792348, ClinGen allele CA393280303.